The following is an entry in ClinVar:

ClinVar aggregate classification (germline): Likely benign (1 of 4 stars; one submission).

Allele frequency attached by ClinVar (database versions not stated): TOPMed 0.00319; 1000 Genomes Project 0.00339; 1000 Genomes Project 30x 0.00437; gnomAD 0.01389 and 0.01425.

Submission:

GeneDx
Classification: Likely benign. Last evaluated: 2021-12-12. Review status: criteria provided, single submitter. Criteria: GeneDx Variant Classification Process June 2021. Collection method: clinical testing. Allele origin: germline. Affected: yes.
Comment: See Variant Classification Assertion Criteria.

NM_000124.4(ERCC6):c.-15+87C>T

Genes: ERCC6 (ERCC excision repair 6, chromatin remodeling factor; minus strand), LOC130003806 (ATAC-STARR-seq lymphoblastoid silent region 2363; plus strand). Cytogenetic location: 10q11.23.
Variant type: single nucleotide variant.
Coding change: c.-15+87C>T on transcript NM_000124.4 (MANE Select); 87 bases into the intron after 15 bases upstream of the start codon, C replaced by T.
Molecular consequence: intron variant.
Genome position (GRCh38, 1-based): chr10:49,538,875, G>A on the plus strand (C>T on the coding strand, the complement: ERCC6 is on the minus strand). VCF-style: chr10-49538875-G-A. GRCh37 (hg19) VCF-style: chr10-50746921-G-A.
Other names: c.-11+87C>T (NM_001346440.2); c.-15+557C>T (NM_001277059.2); c.-15+87C>T (NM_001277058.2).
Identifiers: ClinVar variation 1691599 (VCV001691599.3), dbSNP rs4253007, ClinGen allele CA206591817.